The following is an entry in ClinVar:

ClinVar aggregate classification (germline): Uncertain significance. Review status: criteria provided, multiple submitters, no conflicts (2 of 4 stars). 2 submissions from 2 submitters: Uncertain significance (2). Last evaluated 2024-10-29.

Conditions:
Charcot-Marie-Tooth disease type 2E (CMT2E). Also called: CHARCOT-MARIE-TOOTH DISEASE, AXONAL, TYPE 2E; CHARCOT-MARIE-TOOTH NEUROPATHY, TYPE 2E. Identifiers: Orphanet 99939, MedGen C1843225, MONDO:0011894, OMIM 607684.

Allele frequency attached by ClinVar (database versions not stated): TOPMed below 0.00001; gnomAD 0.00001; gnomAD exomes 0.00001; ExAC 0.00002.
gnomAD v4.1: 9 of 1,613,638 alleles (0.00056%); no homozygotes.

Submissions (2):

Blueprint Genetics
Classification: Uncertain significance. Last evaluated: 2024-10-29. Review status: criteria provided, single submitter. Criteria: ACMG Guidelines, 2015. Collection method: clinical testing. Allele origin: germline.

Labcorp Genetics (formerly Invitae), Labcorp
Classification: Uncertain significance for Charcot-Marie-Tooth disease type 2E. Last evaluated: 2022-08-10. Review status: criteria provided, single submitter. Criteria: Invitae Variant Classification Sherloc (09022015). Collection method: clinical testing. Allele origin: germline.
Comment: This sequence change replaces alanine, which is neutral and non-polar, with glutamic acid, which is acidic and polar, at codon 387 of the NEFL protein (p.Ala387Glu). This variant is present in population databases (rs767498943, gnomAD 0.03%). This variant has not been reported in the literature in individuals affected with NEFL-related conditions. ClinVar contains an entry for this variant (Variation ID: 1051239). Experimental studies and prediction algorithms are not available or were not evaluated, and the functional significance of this variant is currently unknown. In summary, the available evidence is currently insufficient to determine the role of this variant in disease. Therefore, it has been classified as a Variant of Uncertain Significance.

NM_006158.5(NEFL):c.1160C>A (p.Ala387Glu)

Genes: NEFL (neurofilament light chain; minus strand), LOC126860330 (BRD4-independent group 4 enhancer GRCh37_chr8:24811677-24812876; plus strand). Cytogenetic location: 8p21.2.
Variant type: single nucleotide variant.
Coding change: c.1160C>A on transcript NM_006158.5 (MANE Select); coding-DNA position 1160, C replaced by A.
Protein change: p.Ala387Glu; replaces alanine 387 with glutamic acid.
Molecular consequence: missense variant.
Genome position (GRCh38, 1-based): chr8:24,954,190, G>T on the plus strand (C>A on the coding strand, the complement: NEFL is on the minus strand). VCF-style: chr8-24954190-G-T. GRCh37 (hg19) VCF-style: chr8-24811704-G-T.
Other names: short protein forms A387E.
Identifiers: ClinVar variation 1051239 (VCV001051239.6), dbSNP rs767498943, ClinGen allele CA4681338.
Genomic context (GRCh38, chr8:24,954,190, plus strand): 5'-GATTTTCTTCCTAAGGTTTAATGGCTGCTGTCTTTGCCCCTCTATTTTCACCTGTAAGCT[G>T]CAATCTCAATATCCAAAGCCATCTTCACGTTGAGGAGGTCTTGGTATTCTTTTAGGTATC-3'
Protein context (NP_006149.2, residues 377-397): NVKMALDIEI[Ala387Glu]AYRKLLEGEE